The following is an entry in ClinVar:

NM_001130144.3(LTBP3):c.1734C>G (p.Cys578Trp)

Gene: LTBP3 (latent transforming growth factor beta binding protein 3; minus strand). Cytogenetic location: 11q13.1.
Variant type: single nucleotide variant.
Coding change: c.1734C>G on transcript NM_001130144.3 (MANE Select); coding-DNA position 1734, C replaced by G.
Protein change: p.Cys578Trp; replaces cysteine 578 with tryptophan.
Molecular consequence: missense variant.
Genome position (GRCh38, 1-based): chr11:65,548,032, G>C on the plus strand (C>G on the coding strand, the complement: LTBP3 is on the minus strand). VCF-style: chr11-65548032-G-C. GRCh37 (hg19) VCF-style: chr11-65315503-G-C.
Other names: c.1383C>G, p.Cys461Trp (NM_001164266.1); c.1734C>G, p.Cys578Trp (NM_021070.4); short protein forms C461W, C578W.
Identifiers: ClinVar variation 1480220 (VCV001480220.8), dbSNP rs750943686, ClinGen allele CA381272139.

ClinVar aggregate classification (germline): Uncertain significance (1 of 4 stars; one submission).

Conditions:
Brachyolmia-amelogenesis imperfecta syndrome. Also called: PLATYSPONDYLY WITH AMELOGENESIS IMPERFECTA; Tooth agenesis, selective, 6; Dental anomalies and short stature. Identifiers: Orphanet 2899, MedGen C1832594, MONDO:0011018, OMIM 601216. Disease mechanism: loss of function.

Submission:

Labcorp Genetics (formerly Invitae), Labcorp
Classification: Uncertain significance for Brachyolmia-amelogenesis imperfecta syndrome. Last evaluated: 2021-04-23. Review status: criteria provided, single submitter. Criteria: Invitae Variant Classification Sherloc (09022015). Collection method: clinical testing. Allele origin: germline.
Comment: This sequence change replaces cysteine with tryptophan at codon 578 of the LTBP3 protein (p.Cys578Trp). The cysteine residue is highly conserved and there is a large physicochemical difference between cysteine and tryptophan. This variant is not present in population databases (ExAC no frequency). This variant has not been reported in the literature in individuals with LTBP3-related conditions. Algorithms developed to predict the effect of missense changes on protein structure and function are either unavailable or do not agree on the potential impact of this missense change (SIFT: "Deleterious"; PolyPhen-2: "Possibly Damaging"; Align-GVGD: "Class C15"). In summary, the available evidence is currently insufficient to determine the role of this variant in disease. Therefore, it has been classified as a Variant of Uncertain Significance.